The following is an entry in ClinVar:

ClinVar aggregate classification (germline): Uncertain significance (1 of 4 stars; one submission).

Allele frequency attached by ClinVar (database versions not stated): ExAC 0.01667; gnomAD exomes 0.00084; 1000 Genomes Project 30x 0.00016.
gnomAD v4.1: 30 of 1,199,900 alleles (0.0025%); highest among the groups gnomAD compares: South Asian, 0.1%; 1 homozygote.

Submission:

Labcorp Genetics (formerly Invitae), Labcorp
Classification: Uncertain significance. Last evaluated: 2024-01-24. Review status: criteria provided, single submitter. Criteria: Invitae Variant Classification Sherloc (09022015). Collection method: clinical testing. Allele origin: germline.
Comment: This sequence change replaces arginine, which is basic and polar, with leucine, which is neutral and non-polar, at codon 148 of the CTF1 protein (p.Arg148Leu). This variant is present in population databases (rs769217611, gnomAD 0.4%). This variant has not been reported in the literature in individuals affected with CTF1-related conditions. ClinVar contains an entry for this variant (Variation ID: 998627). An algorithm developed to predict the effect of missense changes on protein structure and function (PolyPhen-2) suggests that this variant is likely to be tolerated. In summary, the available evidence is currently insufficient to determine the role of this variant in disease. Therefore, it has been classified as a Variant of Uncertain Significance.

NM_001330.5(CTF1):c.443G>T (p.Arg148Leu)

Genes: CTF1 (cardiotrophin 1; plus strand), LOC130058878 (ATAC-STARR-seq lymphoblastoid silent region 7400; plus strand). Cytogenetic location: 16p11.2.
Variant type: single nucleotide variant.
Coding change: c.443G>T on transcript NM_001330.5 (MANE Select); coding-DNA position 443, G replaced by T.
Protein change: p.Arg148Leu; replaces arginine 148 with leucine.
Molecular consequence: missense variant. On other transcripts: non-coding transcript variant (1).
Genome position (GRCh38, 1-based): chr16:30,902,376, G>T. VCF-style: chr16-30902376-G-T. GRCh37 (hg19) VCF-style: chr16-30913697-G-T.
Other names: c.440G>T, p.Arg147Leu (NM_001142544.3); short protein forms R147L, R148L.
Identifiers: ClinVar variation 998627 (VCV000998627.9), dbSNP rs769217611, ClinGen allele CA8015497.